The following is an entry in ClinVar:

ClinVar aggregate classification (germline): Uncertain significance (1 of 4 stars; one submission).

Submission:

GeneDx
Classification: Uncertain significance. Last evaluated: 2022-04-27. Review status: criteria provided, single submitter. Criteria: GeneDx Variant Classification Process June 2021. Collection method: clinical testing. Allele origin: germline. Affected: yes.
Comment: Not observed at significant frequency in large population cohorts (gnomAD); In silico analysis supports that this missense variant has a deleterious effect on protein structure/function; Has not been previously published as pathogenic or benign to our knowledge

NM_133433.4(NIPBL):c.6452G>A (p.Cys2151Tyr)

Gene: NIPBL (NIPBL cohesin loading factor; plus strand). Cytogenetic location: 5p13.2.
Variant type: single nucleotide variant.
Coding change: c.6452G>A on transcript NM_133433.4 (MANE Select); coding-DNA position 6452, G replaced by A.
Protein change: p.Cys2151Tyr; replaces cysteine 2151 with tyrosine.
Molecular consequence: missense variant.
Genome position (GRCh38, 1-based): chr5:37,045,551, G>A. VCF-style: chr5-37045551-G-A. GRCh37 (hg19) VCF-style: chr5-37045653-G-A.
Other names: c.6452G>A, p.Cys2151Tyr (NM_015384.5); short protein forms C2151Y.
Identifiers: ClinVar variation 1722885 (VCV001722885.2), dbSNP rs2478588702, ClinGen allele CA359504646.